The following is an entry in ClinVar:

NM_000257.4(MYH7):c.5790+14T>A

Gene: MYH7 (myosin heavy chain 7; minus strand). Cytogenetic location: 14q11.2.
Variant type: single nucleotide variant.
Coding change: c.5790+14T>A on transcript NM_000257.4 (MANE Select); 14 bases into the intron after coding-DNA position 5790, T replaced by A.
Molecular consequence: intron variant.
Genome position (GRCh38, 1-based): chr14:23,413,745, A>T on the plus strand (T>A on the coding strand, the complement: MYH7 is on the minus strand). VCF-style: chr14-23413745-A-T. GRCh37 (hg19) VCF-style: chr14-23882954-A-T.
Other names: c.5790+14T>A (LRG_384t1).
Identifiers: ClinVar variation 495782 (VCV000495782.8), dbSNP rs370553746, ClinGen allele CA048269.

ClinVar aggregate classification (germline): Likely benign. Review status: criteria provided, multiple submitters, no conflicts (2 of 4 stars). 2 submissions from 2 submitters: Likely benign (2). Last evaluated 2025-10-28.

Conditions:
Hypertrophic cardiomyopathy. Also called: HYPERTROPHIC MYOCARDIOPATHY. Identifiers: Orphanet 217569, MedGen C0007194, MeSH D002312, MONDO:0005045, HP:0001639.

Allele frequency attached by ClinVar (database versions not stated): gnomAD exomes below 0.00001 and 0.00001; ExAC 0.00002; TOPMed 0.00003; gnomAD 0.00004; ESP Exome Variant Server 0.00015.
gnomAD v4.1: 12 of 1,613,530 alleles (0.00074%); highest among the groups gnomAD compares: African/African-American, 0.016%; no homozygotes.

Submissions (2):

Labcorp Genetics (formerly Invitae), Labcorp
Classification: Likely benign for Hypertrophic cardiomyopathy. Last evaluated: 2025-10-28. Review status: criteria provided, single submitter. Criteria: Invitae Variant Classification Sherloc (09022015). Collection method: clinical testing. Allele origin: germline.

Women's Health and Genetics/Laboratory Corporation of America, LabCorp
Classification: Likely benign. Last evaluated: 2025-01-09. Review status: criteria provided, single submitter. Criteria: LabCorp Variant Classification Summary - May 2015. Collection method: clinical testing. Allele origin: germline.
Comment: Variant summary: MYH7 c.5790+14T>A alters a non-conserved nucleotide located at a position not widely known to affect splicing. Consensus agreement among computation tools predict no significant impact on normal splicing. However, these predictions have yet to be confirmed by functional studies. The variant allele was found at a frequency of 8e-06 in 250886 control chromosomes. The available data on variant occurrences in the general population are insufficient to allow any conclusion about variant significance. c.5790+14T>A has been reported in the literature in at least one individual affected with Cardiomyopathy (e.g., Burstein_2021). This report does not provide unequivocal conclusions about association of the variant with Cardiomyopathy. To our knowledge, no experimental evidence demonstrating an impact on protein function has been reported. The following publication has been ascertained in the context of this evaluation (PMID: 32746448). ClinVar contains an entry for this variant (Variation ID: 495782). Based on the evidence outlined above, the variant was classified as likely benign.

Literature cited by the submitters: PubMed 32746448 (cited by Women's Health and Genetics/Laboratory Corporation of America, LabCorp).